The following is an entry in ClinVar:

ClinVar aggregate classification (germline): Uncertain significance (1 of 4 stars; one submission).

Conditions:
Hereditary cancer-predisposing syndrome. Also called: Neoplastic Syndromes, Hereditary; Tumor predisposition; Hereditary neoplastic syndrome; Hereditary Cancer Syndrome. Identifiers: Orphanet 140162, MedGen C0027672, MeSH D009386, MONDO:0015356.

Submission:

Ambry Genetics
Classification: Uncertain significance for Hereditary cancer-predisposing syndrome. Last evaluated: 2026-07-07. Review status: criteria provided, single submitter. Criteria: Ambry Variant Classification Scheme 2023. Collection method: clinical testing. Allele origin: germline.
Comment: The p.S472T variant (also known as c.1414T>A), located in coding exon 12 of the SUFU gene, results from a T to A substitution at nucleotide position 1414. The serine at codon 472 is replaced by threonine, an amino acid with similar properties. This amino acid position is conserved. In addition, this alteration is predicted to be tolerated by in silico analysis. Based on the available evidence, the clinical significance of this variant remains unclear.

NM_016169.4(SUFU):c.1414T>A (p.Ser472Thr)

Gene: SUFU (SUFU negative regulator of hedgehog signaling; plus strand). Cytogenetic location: 10q24.32.
Variant type: single nucleotide variant.
Coding change: c.1414T>A on transcript NM_016169.4 (MANE Select); coding-DNA position 1414, T replaced by A.
Protein change: p.Ser472Thr; replaces serine 472 with threonine.
Molecular consequence: missense variant.
Genome position (GRCh38, 1-based): chr10:102,630,114, T>A. VCF-style: chr10-102630114-T-A. GRCh37 (hg19) VCF-style: chr10-104389871-T-A.
Other names: short protein forms S472T.
Identifiers: ClinVar variation 5030388 (VCV005030388.1).